The following is an entry in ClinVar:

NM_020461.4(TUBGCP6):c.4193C>T (p.Pro1398Leu)

Gene: TUBGCP6 (tubulin gamma complex component 6; minus strand). Cytogenetic location: 22q13.33.
Variant type: single nucleotide variant.
Coding change: c.4193C>T on transcript NM_020461.4 (MANE Select); coding-DNA position 4193, C replaced by T.
Protein change: p.Pro1398Leu; replaces proline 1398 with leucine.
Molecular consequence: missense variant.
Genome position (GRCh38, 1-based): chr22:50,219,766, G>A on the plus strand (C>T on the coding strand, the complement: TUBGCP6 is on the minus strand). VCF-style: chr22-50219766-G-A. GRCh37 (hg19) VCF-style: chr22-50658195-G-A.
Other names: short protein forms P1398L.
Identifiers: ClinVar variation 1447334 (VCV001447334.7), dbSNP rs1359684920, ClinGen allele CA412175861.

ClinVar aggregate classification (germline): Uncertain significance (1 of 4 stars; one submission).

gnomAD v4.1: 2 of 1,613,546 alleles (0.00012%); highest among the groups gnomAD compares: African/African-American, 0.0013%; no homozygotes.

Submission:

Labcorp Genetics (formerly Invitae), Labcorp
Classification: Uncertain significance. Last evaluated: 2025-03-17. Review status: criteria provided, single submitter. Criteria: Invitae Variant Classification Sherloc (09022015). Collection method: clinical testing. Allele origin: germline.
Comment: This sequence change replaces proline, which is neutral and non-polar, with leucine, which is neutral and non-polar, at codon 1398 of the TUBGCP6 protein (p.Pro1398Leu). This variant is not present in population databases (gnomAD no frequency). This variant has not been reported in the literature in individuals affected with TUBGCP6-related conditions. ClinVar contains an entry for this variant (Variation ID: 1447334). An algorithm developed to predict the effect of missense changes on protein structure and function outputs the following: PolyPhen-2: "Probably Damaging". The leucine amino acid residue is found in multiple mammalian species, which suggests that this missense change does not adversely affect protein function. In summary, the available evidence is currently insufficient to determine the role of this variant in disease. Therefore, it has been classified as a Variant of Uncertain Significance.